The following is an entry in ClinVar:

ClinVar aggregate classification (germline): Uncertain significance (1 of 4 stars; one submission).

Conditions:
Neuronal ceroid lipofuscinosis. Also called: Neuronal Ceroid Lipofuscinoses. Identifiers: Orphanet 216, Orphanet 79263, MedGen C0027877, MONDO:0016295. Disease mechanism: loss of function.

Allele frequency attached by ClinVar (database versions not stated): gnomAD exomes below 0.00001.
gnomAD v4.1: 1 of 1,614,228 alleles (0.000062%); highest among the groups gnomAD compares: Non-Finnish European, 0.000085%; no homozygotes.

Submission:

Labcorp Genetics (formerly Invitae), Labcorp
Classification: Uncertain significance for Neuronal ceroid lipofuscinosis. Last evaluated: 2022-08-09. Review status: criteria provided, single submitter. Criteria: Invitae Variant Classification Sherloc (09022015). Collection method: clinical testing. Allele origin: germline.
Comment: In summary, the available evidence is currently insufficient to determine the role of this variant in disease. Therefore, it has been classified as a Variant of Uncertain Significance. Advanced modeling of protein sequence and biophysical properties (such as structural, functional, and spatial information, amino acid conservation, physicochemical variation, residue mobility, and thermodynamic stability) performed at Invitae indicates that this missense variant is not expected to disrupt CLN8 protein function. This variant has not been reported in the literature in individuals affected with CLN8-related conditions. This variant is not present in population databases (gnomAD no frequency). This sequence change replaces glutamine, which is neutral and polar, with arginine, which is basic and polar, at codon 100 of the CLN8 protein (p.Gln100Arg).

NM_018941.4(CLN8):c.299A>G (p.Gln100Arg)

Gene: CLN8 (CLN8 transmembrane ER and ERGIC protein; plus strand). Cytogenetic location: 8p23.3.
Variant type: single nucleotide variant.
Coding change: c.299A>G on transcript NM_018941.4 (MANE Select); coding-DNA position 299, A replaced by G.
Protein change: p.Gln100Arg; replaces glutamine 100 with arginine.
Molecular consequence: missense variant.
Genome position (GRCh38, 1-based): chr8:1,771,353, A>G. VCF-style: chr8-1771353-A-G. GRCh37 (hg19) VCF-style: chr8-1719519-A-G.
Other names: short protein forms Q100R.
Identifiers: ClinVar variation 1715883 (VCV001715883.6), dbSNP rs2486440519, ClinGen allele CA369953265.
Genomic context (GRCh38, chr8:1,771,353, plus strand): 5'-CAGGCCTGTGGGCTCTGCTGGGGGACCCTGTGCTGCATGCCGACAAGGCGCGTGGCCAGC[A>G]GAACTGGTGCTGGTTTCACATCACGACAGCAACGGGATTCTTTTGCTTTGAAAATGTTGC-3'
Protein context (NP_061764.2, residues 90-110): VLHADKARGQ[Gln100Arg]NWCWFHITTA